The following is an entry in ClinVar:

NM_002951.5(RPN2):c.446C>T (p.Thr149Ile)

Gene: RPN2 (ribophorin II; plus strand). Cytogenetic location: 20q11.23.
Variant type: single nucleotide variant.
Coding change: c.446C>T on transcript NM_002951.5 (MANE Select); coding-DNA position 446, C replaced by T.
Protein change: p.Thr149Ile; replaces threonine 149 with isoleucine.
Molecular consequence: missense variant. On other transcripts: intron variant (1).
Genome position (GRCh38, 1-based): chr20:37,199,192, C>T. VCF-style: chr20-37199192-C-T. GRCh37 (hg19) VCF-style: chr20-35827595-C-T.
Other names: c.350C>T, p.Thr117Ile (NM_001135771.3); c.446C>T, p.Thr149Ile (NM_001324299.2, NM_001324301.2, NM_001324302.2 and 3 more transcripts); c.9-4693C>T (NM_001324306.2); short protein forms T149I, T117I.
Identifiers: ClinVar variation 1996757 (VCV001996757.4), dbSNP rs575407563, ClinGen allele CA408841706.

ClinVar aggregate classification (germline): Uncertain significance (1 of 4 stars; one submission).

Conditions:
Congenital disorder of glycosylation (CDG). Also called: Congenital disorders of glycosylation; Carbohydrate-deficient glycoprotein syndrome. Identifiers: Orphanet 137, MedGen C0282577, MONDO:0015286.

Submission:

Labcorp Genetics (formerly Invitae), Labcorp
Classification: Uncertain significance for Congenital disorder of glycosylation. Last evaluated: 2022-12-31. Review status: criteria provided, single submitter. Criteria: Invitae Variant Classification Sherloc (09022015). Collection method: clinical testing. Allele origin: germline.
Comment: This sequence change replaces threonine, which is neutral and polar, with isoleucine, which is neutral and non-polar, at codon 149 of the RPN2 protein (p.Thr149Ile). This variant is not present in population databases (gnomAD no frequency). This variant has not been reported in the literature in individuals affected with RPN2-related conditions. Algorithms developed to predict the effect of missense changes on protein structure and function are either unavailable or do not agree on the potential impact of this missense change (SIFT: "Not Available"; PolyPhen-2: "Benign"; Align-GVGD: "Not Available"). In summary, the available evidence is currently insufficient to determine the role of this variant in disease. Therefore, it has been classified as a Variant of Uncertain Significance.